The following is an entry in ClinVar:

NM_014141.6(CNTNAP2):c.3011-11C>T

Gene: CNTNAP2 (contactin associated protein 2; plus strand). Cytogenetic location: 7q36.1.
Variant type: single nucleotide variant.
Coding change: c.3011-11C>T on transcript NM_014141.6 (MANE Select); 11 bases into the intron before coding-DNA position 3011, C replaced by T.
Molecular consequence: intron variant.
Genome position (GRCh38, 1-based): chr7:148,217,277, C>T. VCF-style: chr7-148217277-C-T. GRCh37 (hg19) VCF-style: chr7-147914369-C-T.
Identifiers: ClinVar variation 136821 (VCV000136821.10), dbSNP rs201397443, ClinGen allele CA290180.

ClinVar aggregate classification (germline): Benign/Likely benign. Review status: criteria provided, multiple submitters, no conflicts (2 of 4 stars). 3 submissions from 3 submitters: Benign (2); Likely benign (1). Last evaluated 2026-01-14.

Conditions:
Cortical dysplasia-focal epilepsy syndrome (PTHSL1). Also called: Pitt-Hopkins-like syndrome 1. Identifiers: Orphanet 163681, Orphanet 221150, MedGen C2750246, MONDO:0012400, OMIM 610042.

Allele frequency attached by ClinVar (database versions not stated): gnomAD exomes 0.00008 and 0.00023; ExAC 0.00027; gnomAD 0.00092 and 0.00097; TOPMed 0.00101; ESP Exome Variant Server 0.00108; 1000 Genomes Project 0.00120; 1000 Genomes Project 30x 0.00125.
gnomAD v4.1: 265 of 1,613,816 alleles (0.016%); highest among the groups gnomAD compares: African/African-American, 0.31%; 1 homozygote.

Submissions (3):

Labcorp Genetics (formerly Invitae), Labcorp
Classification: Benign for Cortical dysplasia-focal epilepsy syndrome. Last evaluated: 2026-01-14. Review status: criteria provided, single submitter. Criteria: Invitae Variant Classification Sherloc (09022015). Collection method: clinical testing. Allele origin: germline.

Blueprint Genetics
Classification: Likely benign. Last evaluated: 2023-11-09. Review status: criteria provided, single submitter. Criteria: ACMG Guidelines, 2015. Collection method: clinical testing. Allele origin: germline.

GeneDx
Classification: Benign. Last evaluated: 2014-01-29. Review status: criteria provided, single submitter. Criteria: GeneDx Variant Classification (06012015). Collection method: clinical testing. Allele origin: germline. Affected: yes.
Comment: This variant is considered likely benign or benign based on one or more of the following criteria: it is a conservative change, it occurs at a poorly conserved position in the protein, it is predicted to be benign by multiple in silico algorithms, and/or has population frequency not consistent with disease.